The following is an entry in ClinVar:

ClinVar aggregate classification (germline): Likely benign. Review status: criteria provided, multiple submitters, no conflicts (2 of 4 stars). 2 submissions from 2 submitters: Likely benign (2). Last evaluated 2026-01-24.

Conditions:
Fanconi anemia (FA). Also called: Fanconi's anemia. Identifiers: Orphanet 84, MedGen C0015625, MeSH D005199, MONDO:0019391.

gnomAD v4.1: 1 of 1,613,950 alleles (0.000062%); highest among the groups gnomAD compares: Non-Finnish European, 0.000085%; no homozygotes.

Submissions (2):

Labcorp Genetics (formerly Invitae), Labcorp
Classification: Likely benign for Fanconi anemia. Last evaluated: 2026-01-24. Review status: criteria provided, single submitter. Criteria: Invitae Variant Classification Sherloc (09022015). Collection method: clinical testing. Allele origin: germline.

CeGaT Center for Human Genetics Tuebingen
Classification: Likely benign. Last evaluated: 2025-11-01. Review status: criteria provided, single submitter. Criteria: CeGaT Center For Human Genetics Tuebingen Variant Classification Criteria Version 2. Collection method: clinical testing. Allele origin: germline. Affected: yes. Observed: 1 variant allele.
Comment: SLX4: BP4, BP7

NM_032444.4(SLX4):c.5412C>T (p.His1804=)

Gene: SLX4 (SLX4 structure-specific endonuclease subunit; minus strand). Cytogenetic location: 16p13.3.
Variant type: single nucleotide variant.
Coding change: c.5412C>T on transcript NM_032444.4 (MANE Select); coding-DNA position 5412, C replaced by T.
Protein change: p.His1804=; no amino-acid change (histidine 1804 retained).
Molecular consequence: synonymous variant.
Genome position (GRCh38, 1-based): chr16:3,582,435, G>A on the plus strand (C>T on the coding strand, the complement: SLX4 is on the minus strand). VCF-style: chr16-3582435-G-A. GRCh37 (hg19) VCF-style: chr16-3632436-G-A.
Identifiers: ClinVar variation 2956082 (VCV002956082.9), dbSNP rs1270976047, ClinGen allele CA493390695.